The following is an entry in ClinVar:

NM_000238.4(KCNH2):c.1456C>A (p.Pro486Thr)

Gene: KCNH2 (potassium voltage-gated channel subfamily H member 2; minus strand). Cytogenetic location: 7q36.1.
Variant type: single nucleotide variant.
Coding change: c.1456C>A on transcript NM_000238.4 (MANE Select); coding-DNA position 1456, C replaced by A.
Protein change: p.Pro486Thr; replaces proline 486 with threonine.
Molecular consequence: missense variant. On other transcripts: non-coding transcript variant (2).
Genome position (GRCh38, 1-based): chr7:150,952,526, G>T on the plus strand (C>A on the coding strand, the complement: KCNH2 is on the minus strand). VCF-style: chr7-150952526-G-T. GRCh37 (hg19) VCF-style: chr7-150649614-G-T.
Other names: c.436C>A, p.Pro146Thr (NM_001204798.2, NM_172057.3); c.1168C>A, p.Pro390Thr (NM_001406753.1, NM_001406756.1); c.1279C>A, p.Pro427Thr (NM_001406755.1); c.1156C>A, p.Pro386Thr (NM_001406757.1); c.1456C>A, p.Pro486Thr (NM_172056.3); short protein forms P390T, P486T, P146T, P386T, P427T.
Identifiers: ClinVar variation 3862768 (VCV003862768.1).

ClinVar aggregate classification (germline): Uncertain significance (1 of 4 stars; one submission).

Conditions:
Cardiovascular phenotype. Identifiers: MedGen CN230736.

Submission:

Ambry Genetics
Classification: Uncertain significance for Cardiovascular phenotype. Last evaluated: 2025-02-20. Review status: criteria provided, single submitter. Criteria: Ambry Variant Classification Scheme 2023. Collection method: clinical testing. Allele origin: germline.
Comment: The p.P486T variant (also known as c.1456C>A), located in coding exon 6 of the KCNH2 gene, results from a C to A substitution at nucleotide position 1456. The proline at codon 486 is replaced by threonine, an amino acid with highly similar properties. This amino acid position is highly conserved in available vertebrate species. In addition, this alteration is predicted to be deleterious by in silico analysis. Based on the available evidence, the clinical significance of this variant remains unclear.